The following is an entry in ClinVar:

NM_014915.3(ANKRD26):c.5060A>T (p.Asn1687Ile)

Gene: ANKRD26 (ankyrin repeat domain 26; minus strand). Cytogenetic location: 10p12.1.
Variant type: single nucleotide variant.
Coding change: c.5060A>T on transcript NM_014915.3 (MANE Select); coding-DNA position 5060, A replaced by T.
Protein change: p.Asn1687Ile; replaces asparagine 1687 with isoleucine.
Molecular consequence: missense variant.
Genome position (GRCh38, 1-based): chr10:27,005,663, T>A on the plus strand (A>T on the coding strand, the complement: ANKRD26 is on the minus strand). VCF-style: chr10-27005663-T-A. GRCh37 (hg19) VCF-style: chr10-27294592-T-A.
Other names: c.5057A>T, p.Asn1686Ile (NM_001256053.2); short protein forms N1687I, N1686I.
Identifiers: ClinVar variation 880008 (VCV000880008.16), dbSNP rs373138646, ClinGen allele CA5447647.
Genomic context (GRCh38, chr10:27,005,663, plus strand): 5'-TTTTTCTTTAAAACCTGTACATATTCTCTTGATGCTTTCCAAACTAGATCTTGATTTAGA[T>A]TTGACTCATCAGTAGACCCTAGAGGGGAAGCTATTGATCCAGATTCCAATTCAGCAGCAG-3'
Protein context (NP_055730.2, residues 1677-1697): ASPLGSTDES[Asn1687Ile]LNQDLVWKAS

ClinVar aggregate classification (germline): Conflicting classifications of pathogenicity. Review status: criteria provided, conflicting classifications (1 of 4 stars). 6 submissions from 6 submitters: Uncertain significance (4); Likely benign (2). Last evaluated 2026-01-21.

Conditions:
Inborn genetic diseases. Identifiers: MedGen C0950123, MeSH D030342.
Thrombocytopenia 2 (THC2). Also called: ANKRD26-Related Thrombocytopenia. Identifiers: Orphanet 268322, MedGen C1861185, MONDO:0008555, OMIM 188000.

Allele frequency attached by ClinVar (database versions not stated): ExAC 0.00004; gnomAD exomes 0.00004 and 0.00006; TOPMed 0.00008; ESP Exome Variant Server 0.00009; gnomAD 0.00009.
gnomAD v4.1: 96 of 1,613,238 alleles (0.006%); highest among the groups gnomAD compares: Middle Eastern, 0.083%; no homozygotes.

Submissions (6):

Labcorp Genetics (formerly Invitae), Labcorp
Classification: Uncertain significance. Last evaluated: 2026-01-21. Review status: criteria provided, single submitter. Criteria: Invitae Variant Classification Sherloc (09022015). Collection method: clinical testing. Allele origin: germline.
Comment: This sequence change replaces asparagine, which is neutral and polar, with isoleucine, which is neutral and non-polar, at codon 1687 of the ANKRD26 protein (p.Asn1687Ile). This variant is present in population databases (rs373138646, gnomAD 0.007%). This variant has not been reported in the literature in individuals affected with ANKRD26-related conditions. ClinVar contains an entry for this variant (Variation ID: 880008). An algorithm developed to predict the effect of missense changes on protein structure and function (PolyPhen-2) suggests that this variant is likely to be disruptive. In summary, the available evidence is currently insufficient to determine the role of this variant in disease. Therefore, it has been classified as a Variant of Uncertain Significance.

Ambry Genetics
Classification: Uncertain significance for Inborn genetic diseases. Last evaluated: 2025-02-09. Review status: criteria provided, single submitter. Criteria: Ambry Variant Classification Scheme 2023. Collection method: clinical testing. Allele origin: germline.

GeneDx
Classification: Uncertain significance. Last evaluated: 2024-11-22. Review status: criteria provided, single submitter. Criteria: GeneDx Variant Classification Process June 2021. Collection method: clinical testing. Allele origin: germline. Affected: yes.
Comment: In silico analysis supports that this missense variant has a deleterious effect on protein structure/function; Has not been previously published as pathogenic or benign to our knowledge

Blueprint Genetics
Classification: Likely benign. Last evaluated: 2024-11-21. Review status: criteria provided, single submitter. Criteria: ACMG Guidelines, 2015. Collection method: clinical testing. Allele origin: germline.

Genetic Services Laboratory, University of Chicago
Classification: Uncertain significance. Last evaluated: 2023-03-28. Review status: criteria provided, single submitter. Criteria: ACMG Guidelines, 2015. Collection method: clinical testing. Allele origin: germline. Affected: no.
Comment: DNA sequence analysis of the ANKRD26 gene demonstrated a sequence change, c.5060A>T, in exon 34 that results in an amino acid change, p.Asn1687Ile. This sequence change does not appear to have been previously described in individuals with ANKRD26-related disorders. This sequence change has been described in the gnomAD database with a frequency of 0.007% in the European subpopulation (dbSNP rs373138646). The p.Asn1687Ile change affects a moderately conserved amino acid residue located in a domain of the ANKRD26 protein that is not known to be functional. The p.Asn1687Ile substitution appears to be benign using several in-silico pathogenicity prediction tools (SIFT, Align GVGD, REVEL). Due to insufficient evidences and the lack of functional studies, the clinical significance of the p.Asn1687Ile change remains unknown at this time.

Illumina Laboratory Services, Illumina
Classification: Likely benign for Thrombocytopenia 2. Last evaluated: 2018-01-13. Review status: criteria provided, single submitter. Criteria: ICSL Variant Classification Criteria 13 December 2019. Collection method: clinical testing. Allele origin: germline.
Comment: This variant was observed in the ICSL laboratory as part of a predisposition screen in an ostensibly healthy population. It had not been previously curated by ICSL or reported in the Human Gene Mutation Database (HGMD: prior to June 1st, 2018), and was therefore a candidate for classification through an automated scoring system. Utilizing variant allele frequency, disease prevalence and penetrance estimates, and inheritance mode, an automated score was calculated to assess if this variant is too frequent to cause the disease. Based on the score and internal cut-off values, a variant classified as likely benign is not then subjected to further curation. The score for this variant resulted in a classification of likely benign for this disease.